The following is an entry in ClinVar:

NM_001323289.2(CDKL5):c.2095G>T (p.Glu699Ter)

Gene: CDKL5 (cyclin dependent kinase like 5; plus strand). Cytogenetic location: Xp22.13.
Variant type: single nucleotide variant.
Coding change: c.2095G>T on transcript NM_001323289.2 (MANE Select); coding-DNA position 2095, G replaced by T.
Protein change: p.Glu699Ter; replaces glutamic acid 699 with a stop codon.
Molecular consequence: nonsense.
Genome position (GRCh38, 1-based): chrX:18,609,513, G>T. VCF-style: chrX-18609513-G-T. GRCh37 (hg19) VCF-style: chrX-18627633-G-T.
Other names: c.2095G>T, p.Glu699Ter (NM_001037343.2, NM_003159.3); short protein forms E699*.
Identifiers: ClinVar variation 280475 (VCV000280475.2), dbSNP rs886041673, ClinGen allele CA10603711.

ClinVar aggregate classification (germline): Pathogenic (1 of 4 stars; one submission).

Submission:

GeneDx
Classification: Pathogenic. Last evaluated: 2016-09-08. Review status: criteria provided, single submitter. Criteria: GeneDx Variant Classification (06012015). Collection method: clinical testing. Allele origin: germline. Affected: yes.
Comment: The de novo E699X variant in the CDKL5 gene has not been published as a pathogenic variant, nor has it been reported as abenign variant to our knowledge. The E699X nonsense variant is predicted to cause loss of normal protein functioneither through protein truncation or nonsense-mediated mRNA decay. Furthermore, it was not observed inapproximately 6,500 individuals of European and African American ancestry in the NHLBI Exome SequencingProject, indicating it is not a common benign variant in these populations. Although this variant has not beenreported previously to our knowledge, other nonsense variants have been reported in the Human Gene MutationDatabase in association with CDKL5-related disorders (Stenson et al., 2014).